The following is an entry in ClinVar:

NM_018834.6(MATR3):c.2348C>G (p.Pro783Arg)

Gene: MATR3 (matrin 3; plus strand). Cytogenetic location: 5q31.2.
Variant type: single nucleotide variant.
Coding change: c.2348C>G on transcript NM_018834.6 (MANE Select); coding-DNA position 2348, C replaced by G.
Protein change: p.Pro783Arg; replaces proline 783 with arginine.
Molecular consequence: missense variant.
Genome position (GRCh38, 1-based): chr5:139,325,639, C>G. VCF-style: chr5-139325639-C-G. GRCh37 (hg19) VCF-style: chr5-138661328-C-G.
Other names: c.2348C>G, p.Pro783Arg (NM_001194954.2, NM_001194955.2, NM_001400447.1 and 11 more transcripts); c.1484C>G, p.Pro495Arg (NM_001194956.2); c.1334C>G, p.Pro445Arg (NM_001282278.2, NM_001400462.1, NM_001400463.1 and 4 more transcripts); c.2492C>G, p.Pro831Arg (NM_001400441.1, NM_001400442.1, NM_001400443.1 and 2 more transcripts); c.1487C>G, p.Pro496Arg (NM_001400459.1); c.1478C>G, p.Pro493Arg (NM_001400460.1); c.1448C>G, p.Pro483Arg (NM_001400461.1); short protein forms P445R, P483R, P493R, P495R, P496R, P783R, P831R.
Identifiers: ClinVar variation 2635077 (VCV002635077.1), dbSNP rs1194022580, ClinGen allele CA361146642.

ClinVar aggregate classification (germline): Uncertain significance (1 of 4 stars; one submission).

Conditions:
MATR3-related disorder. Also called: MATR3-related condition.

Submission:

PreventionGenetics, part of Exact Sciences
Classification: Uncertain significance for MATR3-related condition. Last evaluated: 2023-01-11. Review status: criteria provided, single submitter. Criteria: ACMG Guidelines, 2015. Collection method: clinical testing. Allele origin: germline.
Comment: The MATR3 c.2348C>G variant is predicted to result in the amino acid substitution p.Pro783Arg. To our knowledge, this variant has not been reported in the literature or in a large population database, indicating this variant is rare. At this time, the clinical significance of this variant is uncertain due to the absence of conclusive functional and genetic evidence.